The following is an entry in ClinVar:

ClinVar aggregate classification (germline): Uncertain significance (1 of 4 stars; one submission).

Conditions:
Hereditary spastic paraplegia 7 (SPG7). Also called: Spastic paraplegia 7; Hereditary spastic paraplegia Paraplegin type; SPG7-related neurologic disorder; SPASTIC PARAPLEGIA 7, AUTOSOMAL RECESSIVE, WITH OR WITHOUT CEREBELLAR ATAXIA; Autosomal recessive spastic paraplegia type 7. Identifiers: Orphanet 99013, MedGen C1846564, MONDO:0011803, OMIM 607259.

Allele frequency attached by ClinVar (database versions not stated): gnomAD exomes 0.00001; ExAC 0.00002; gnomAD 0.00008; TOPMed 0.00010; ESP Exome Variant Server 0.00015.
gnomAD v4.1: 22 of 1,613,930 alleles (0.0014%); highest among the groups gnomAD compares: African/African-American, 0.027%; no homozygotes.

Submission:

Labcorp Genetics (formerly Invitae), Labcorp
Classification: Uncertain significance for Hereditary spastic paraplegia 7. Last evaluated: 2025-01-07. Review status: criteria provided, single submitter. Criteria: Invitae Variant Classification Sherloc (09022015). Collection method: clinical testing. Allele origin: germline.
Comment: This sequence change replaces lysine, which is basic and polar, with glutamine, which is neutral and polar, at codon 569 of the SPG7 protein (p.Lys569Gln). This variant is present in population databases (rs376125034, gnomAD 0.03%). This variant has not been reported in the literature in individuals affected with SPG7-related conditions. ClinVar contains an entry for this variant (Variation ID: 2195343). Invitae Evidence Modeling of protein sequence and biophysical properties (such as structural, functional, and spatial information, amino acid conservation, physicochemical variation, residue mobility, and thermodynamic stability) indicates that this missense variant is not expected to disrupt SPG7 protein function with a negative predictive value of 80%. In summary, the available evidence is currently insufficient to determine the role of this variant in disease. Therefore, it has been classified as a Variant of Uncertain Significance.

NM_003119.4(SPG7):c.1705A>C (p.Lys569Gln)

Gene: SPG7 (SPG7 matrix AAA peptidase subunit, paraplegin; plus strand). Cytogenetic location: 16q24.3.
Variant type: single nucleotide variant.
Coding change: c.1705A>C on transcript NM_003119.4 (MANE Select); coding-DNA position 1705, A replaced by C.
Protein change: p.Lys569Gln; replaces lysine 569 with glutamine.
Molecular consequence: missense variant.
Genome position (GRCh38, 1-based): chr16:89,550,535, A>C. VCF-style: chr16-89550535-A-C. GRCh37 (hg19) VCF-style: chr16-89616943-A-C.
Other names: c.1705A>C, p.Lys569Gln (NM_001363850.1); short protein forms K569Q.
Identifiers: ClinVar variation 2195343 (VCV002195343.4), dbSNP rs376125034, ClinGen allele CA8244368.